The following is an entry in ClinVar:

ClinVar aggregate classification (germline): Uncertain significance (1 of 4 stars; one submission).

Conditions:
Hereditary cancer-predisposing syndrome. Also called: Neoplastic Syndromes, Hereditary; Tumor predisposition; Hereditary Cancer Syndrome; Hereditary neoplastic syndrome. Identifiers: Orphanet 140162, MedGen C0027672, MeSH D009386, MONDO:0015356.

Submission:

Ambry Genetics
Classification: Uncertain significance for Hereditary cancer-predisposing syndrome. Last evaluated: 2026-05-17. Review status: criteria provided, single submitter. Criteria: Ambry Variant Classification Scheme 2023. Collection method: clinical testing. Allele origin: germline.
Comment: The p.P395L variant (also known as c.1184C>T), located in coding exon 11 of the PMS2 gene, results from a C to T substitution at nucleotide position 1184. The proline at codon 395 is replaced by leucine, an amino acid with similar properties. This amino acid position is conserved. In addition, the in silico prediction for this alteration is inconclusive. Based on the available evidence, the clinical significance of this variant remains unclear.

NM_000535.7(PMS2):c.1184C>T (p.Pro395Leu)

Gene: PMS2 (PMS1 homolog 2, mismatch repair system component; minus strand). Cytogenetic location: 7p22.1.
Variant type: single nucleotide variant.
Coding change: c.1184C>T on transcript NM_000535.7 (MANE Select); coding-DNA position 1184, C replaced by T.
Protein change: p.Pro395Leu; replaces proline 395 with leucine.
Molecular consequence: missense variant. On other transcripts: non-coding transcript variant (1), intron variant (1).
Genome position (GRCh38, 1-based): chr7:5,987,581, G>A on the plus strand (C>T on the coding strand, the complement: PMS2 is on the minus strand). VCF-style: chr7-5987581-G-A. GRCh37 (hg19) VCF-style: chr7-6027212-G-A.
Other names: c.779C>T, p.Pro260Leu (NM_001322003.2, NM_001322004.2, NM_001322005.2 and 16 more transcripts); c.1028C>T, p.Pro343Leu (NM_001322006.2, NM_001406870.1); c.866C>T, p.Pro289Leu (NM_001322007.2, NM_001322008.2, NM_001406876.1 and 2 more transcripts); c.623C>T, p.Pro208Leu (NM_001322010.2, NM_001406906.1, NM_001406907.1); c.251C>T, p.Pro84Leu (NM_001322011.2, NM_001322012.2); c.611C>T, p.Pro204Leu (NM_001322013.2, NM_001406909.1); c.1184C>T, p.Pro395Leu (NM_001322014.2, NM_001406871.1, NM_001406872.1); c.875C>T, p.Pro292Leu (NM_001322015.2, NM_001406875.1, NM_001406877.1 and 5 more transcripts); and 13 more; short protein forms P138L, P204L, P208L, P224L, P237L, P240L, P260L, P273L.
Identifiers: ClinVar variation 4862123 (VCV004862123.1).